The following is an entry in ClinVar:

NM_024513.4(FYCO1):c.3150+1G>T

Gene: FYCO1 (FYVE and coiled-coil domain autophagy adaptor 1; minus strand). Cytogenetic location: 3p21.31.
Variant type: single nucleotide variant.
Coding change: c.3150+1G>T on transcript NM_024513.4 (MANE Select); the canonical splice donor site of the intron after coding-DNA position 3150, G replaced by T.
Molecular consequence: splice donor variant.
Genome position (GRCh38, 1-based): chr3:45,965,032, C>A on the plus strand (G>T on the coding strand, the complement: FYCO1 is on the minus strand). VCF-style: chr3-45965032-C-A. GRCh37 (hg19) VCF-style: chr3-46006524-C-A.
Other names: IVS9DS, G-T, +1; c.2550+1G>T (NM_001386430.1); c.3030+1G>T (NM_001386426.1); c.3006+1G>T (NM_001386427.1); c.3150+1G>T (NM_001386423.1, NM_001386429.1, NM_001386425.1 and 4 more transcripts).
Identifiers: ClinVar variation 503725 (VCV000503725.12), dbSNP rs766522434, ClinGen allele CA2352878.

ClinVar aggregate classification (germline): Pathogenic/Likely pathogenic. Review status: criteria provided, multiple submitters, no conflicts (2 of 4 stars). 3 submissions from 3 submitters: Pathogenic (1); Likely pathogenic (1). 1 of the submissions does not count toward it. Last evaluated 2018-01-19.

Conditions:
Cataract 18 (CATC2). Also called: CATARACT 18, AUTOSOMAL RECESSIVE. Identifiers: Orphanet 91492, Orphanet 98991, Orphanet 98992, Orphanet 98995, MedGen C1864908, MONDO:0012395, OMIM 610019.

Allele frequency attached by ClinVar (database versions not stated): TOPMed below 0.00001; ExAC 0.00001; gnomAD exomes 0.00001 and below 0.00001.
gnomAD v4.1: 2 of 1,613,798 alleles (0.00012%); highest among the groups gnomAD compares: Admixed American, 0.0017%; no homozygotes.

Submissions (3):

GeneDx
Classification: Likely pathogenic. Last evaluated: 2018-01-19. Review status: criteria provided, single submitter. Criteria: GeneDx Variant Classification (06012015). Collection method: clinical testing. Allele origin: germline. Affected: yes.
Comment: The c.3150+1G>T variant in the FYCO1 gene has been reported previously in the homozygous state in three individuals from a consanguineous family with autosomal recessive congenital cataracts (Chen et al., 2011). This splice site variant destroys the canonical splice donor site in intron 9. It is predicted to cause abnormal gene splicing, either leading to an abnormal message that is subject to nonsense-mediated mRNA decay, or to an abnormal protein product if the message is used for protein translation. The c.3150+1G>T variant is not observed at a significant frequency in large population cohorts (Lek et al., 2016). We interpret c.3150+1G>T as a likely pathogenic variant.

Hadassah Hebrew University Medical Center
Classification: Pathogenic for Cataract 18. Review status: criteria provided, single submitter. Criteria: ACMG Guidelines, 2015. Collection method: research. Allele origin: germline. Affected: no. Observed: 2 variant alleles.

OMIM
Classification: Pathogenic for CATARACT 18, AUTOSOMAL RECESSIVE. Last evaluated: 2011-06-10. Review status: no assertion criteria provided. Collection method: literature only. Allele origin: germline. Not counted in ClinVar's aggregate classification.

Literature cited by the submitters: PubMed 21636066 (cited by OMIM).